The following is an entry in ClinVar:

NM_018979.4(WNK1):c.2139+2921_2139+2925delinsCTTCCACC

Gene: WNK1 (WNK lysine deficient protein kinase 1; plus strand). Cytogenetic location: 12p13.33.
Variant type: Indel.
Coding change: c.2139+2921_2139+2925delinsCTTCCACC on transcript NM_018979.4 (MANE Select); bases 2921 to 2925 of the intron after coding-DNA position 2139, TTCCA replaced by CTTCCACC.
Molecular consequence: intron variant. On other transcripts: inframe indel (1).
Genome position (GRCh38, 1-based): chr12:865,191-865,195, TTCCA replaced by CTTCCACC. VCF-style: chr12-865191-TTCCA-CTTCCACC. GRCh37 (hg19) VCF-style: chr12-974357-TTCCA-CTTCCACC.
Other names: c.2221_2225delinsCTTCCACC, p.Phe741_His742delinsLeuProPro (NM_213655.5); c.2140-2675_2140-2671delinsCTTCCACC (NM_001184985.2); c.2139+2921_2139+2925delinsCTTCCACC (NM_014823.3).
Identifiers: ClinVar variation 2935448 (VCV002935448.3), dbSNP rs2548723998, ClinGen allele CA2740092313.

ClinVar aggregate classification (germline): Uncertain significance (1 of 4 stars; one submission).

Conditions:
Neuropathy, hereditary sensory and autonomic, type 2A (HSAN2A). Also called: ACROOSTEOLYSIS, GIACCAI TYPE; ACROOSTEOLYSIS, NEUROGENIC; MORVAN DISEASE; NEUROPATHY, CONGENITAL SENSORY; NEUROPATHY, HEREDITARY SENSORY RADICULAR, AUTOSOMAL RECESSIVE; NEUROPATHY, HEREDITARY SENSORY, TYPE IIA. Identifiers: Orphanet 970, MedGen C2752089, MONDO:0024309, OMIM 201300.
Pseudohypoaldosteronism type 2C (PHA2C). Also called: Pseudohypoaldosteronism Type IIC. Identifiers: Orphanet 757, Orphanet 88940, MedGen C1840391, MONDO:0013778, OMIM 614492.

Submission:

Labcorp Genetics (formerly Invitae), Labcorp
Classification: Uncertain significance for Neuropathy, hereditary sensory and autonomic, type 2A; Pseudohypoaldosteronism type 2C. Last evaluated: 2020-10-20. Review status: criteria provided, single submitter. Criteria: Invitae Variant Classification Sherloc (09022015). Collection method: clinical testing. Allele origin: germline.
Comment: In summary, the available evidence is currently insufficient to determine the role of this variant in disease. Therefore, it has been classified as a Variant of Uncertain Significance. Experimental studies and prediction algorithms are not available or were not evaluated, and the functional significance of this variant is currently unknown. This variant has not been reported in the literature in individuals with WNK1-related conditions. The frequency data for this variant in the population databases is considered unreliable, as metrics indicate insufficient coverage at this position in the ExAC database. This variant, c.2221_2225delinsCTTCCACC, is a complex sequence change that results in the deletion of 2 and insertion of 3 amino acid(s) in the WNK1 protein (p.Phe741_His742delinsLeuProPro).